The following is an entry in ClinVar:

ClinVar aggregate classification (germline): Conflicting classifications of pathogenicity. Review status: criteria provided, conflicting classifications (1 of 4 stars). 13 submissions from 12 submitters: Uncertain significance (10); Likely benign (3). Last evaluated 2026-09-14.

Conditions:
POLD1-related polyposis and colorectal cancer syndrome (CRCS10). Also called: COLORECTAL CANCER, SUSCEPTIBILITY TO, ON CHROMOSOME 19q; Colorectal cancer 10; Colorectal cancer, susceptibility to, 10. Identifiers: Orphanet 220460, MedGen C2675481, MONDO:0012953, OMIM 612591.
Mandibular hypoplasia-deafness-progeroid syndrome. Also called: Mandibular hypoplasia, deafness, progeroid features, and lipodystrophy syndrome. Identifiers: Orphanet 363649, MedGen C3715192, MONDO:0014157, OMIM 615381.
Hereditary cancer-predisposing syndrome. Also called: Hereditary Cancer Syndrome; Neoplastic Syndromes, Hereditary; Hereditary neoplastic syndrome; Tumor predisposition. Identifiers: Orphanet 140162, MedGen C0027672, MeSH D009386, MONDO:0015356.
Immunodeficiency 120. Identifiers: MedGen C5935622, MONDO:0970994, OMIM 620836.
Hereditary cancer. Identifiers: MedGen C1333600.

Allele frequency attached by ClinVar (database versions not stated): ExAC 0.00004; gnomAD exomes 0.00007 and 0.00008; TOPMed 0.00011; gnomAD 0.00015 and 0.00016.
gnomAD v4.1: 127 of 1,613,418 alleles (0.0079%); highest among the groups gnomAD compares: Admixed American, 0.043%; no homozygotes.

Submissions (13):

GeneDx
Classification: Uncertain significance. Last evaluated: 2026-09-14. Review status: criteria provided, single submitter. Criteria: GeneDx Variant Classification Process June 2021. Collection method: clinical testing. Allele origin: germline.
Comment: In silico analysis supports that this missense variant has a deleterious effect on protein structure/function; This variant is associated with the following publications: (PMID: 27121473, 29349598, 35957908, 37814722, 35264596, 35534704, 38933898)

OLLIN Analises Genomicas, OLLIN
Classification: Uncertain significance for POLD1-related polyposis and colorectal cancer syndrome. Last evaluated: 2026-08-06. Review status: criteria provided, single submitter. Criteria: ACMG Guidelines 2015 PMID 25741868. Collection method: clinical testing. Allele origin: germline. Inheritance: Autosomal recessive inheritance.
Comment: This missense variant, located in exon 4 (of 27), has been reported in ClinVar (accession VCV000239345.31) and in gnomAD with an allele frequency of 0.0079%. However, to our knowledge, it has not been reported in the scientific literature. In silico analysis predicts that this variant has a tolerated effect. According to the currently available evidence, this variant has been classified as uncertain significance (PM2_P, BP4_M).

Labcorp Genetics (formerly Invitae), Labcorp
Classification: Uncertain significance for POLD1-related polyposis and colorectal cancer syndrome. Last evaluated: 2026-01-19. Review status: criteria provided, single submitter. Criteria: Invitae Variant Classification Sherloc (09022015). Collection method: clinical testing. Allele origin: germline.
Comment: This sequence change replaces serine, which is neutral and polar, with phenylalanine, which is neutral and non-polar, at codon 118 of the POLD1 protein (p.Ser118Phe). This variant is present in population databases (rs780604625, gnomAD 0.02%). This variant has not been reported in the literature in individuals affected with POLD1-related conditions. ClinVar contains an entry for this variant (Variation ID: 239345). An algorithm developed to predict the effect of missense changes on protein structure and function (PolyPhen-2) suggests that this variant is likely to be tolerated. In summary, the available evidence is currently insufficient to determine the role of this variant in disease. Therefore, it has been classified as a Variant of Uncertain Significance.

Dasa
Classification: Uncertain significance. Last evaluated: 2025-10-20. Review status: criteria provided, single submitter. Criteria: DASA Assertion Criteria. Collection method: clinical testing. Allele origin: germline.
Comment: NM_002691.4(POLD1):c.353C>T (p.Ser118Phe) is a missense variant that results in the substitution of serine with phenylalanine. This variant is rare in population databases. Computational prediction algorithms are consistent with a benign effect. The currently available literature and clinical evidence are not sufficient to establish a definitive association between this variant and the reported condition. Therefore, this variant is classified as a variant of uncertain significance.

Laboratorio de I+D, Fundación Centro Médico de Asturias
Classification: Likely benign for Hereditary cancer-predisposing syndrome. Last evaluated: 2025-07-17. Review status: criteria provided, single submitter. Criteria: ACMG Guidelines, 2015. Collection method: clinical testing. Allele origin: germline.
Comment: BP4_Moderate+BP1+BP3+PM2_Supporting

Ambry Genetics
Classification: Likely benign for Hereditary cancer-predisposing syndrome. Last evaluated: 2024-10-17. Review status: criteria provided, single submitter. Criteria: Ambry Variant Classification Scheme 2023. Collection method: clinical testing. Allele origin: germline.

Blueprint Genetics
Classification: Uncertain significance. Last evaluated: 2024-09-13. Review status: criteria provided, single submitter. Criteria: ACMG Guidelines, 2015. Collection method: clinical testing. Allele origin: germline.

Fulgent Genetics
Classification: Uncertain significance for POLD1-related polyposis and colorectal cancer syndrome; Mandibular hypoplasia-deafness-progeroid syndrome; Immunodeficiency 120. Last evaluated: 2024-03-14. Review status: criteria provided, single submitter. Criteria: ACMG Guidelines, 2015. Collection method: clinical testing. Allele origin: germline.

Mendelics
Classification: Likely benign for Hereditary cancer. Last evaluated: 2024-01-23. Review status: criteria provided, single submitter. Criteria: ACMG Guidelines, 2015. Collection method: clinical testing. Allele origin: unknown.

Department of Pathology and Laboratory Medicine, Sinai Health System
Classification: Uncertain significance for POLD1-related polyposis and colorectal cancer syndrome; Mandibular hypoplasia-deafness-progeroid syndrome; Immunodeficiency 120. Last evaluated: 2023-02-14. Review status: criteria provided, single submitter. Criteria: ACMG Guidelines, 2015. Collection method: clinical testing. Allele origin: germline.

Laboratorio de Genetica e Diagnostico Molecular, Hospital Israelita Albert Einstein
Classification: Uncertain significance for POLD1-related polyposis and colorectal cancer syndrome. Last evaluated: 2021-06-21. Review status: criteria provided, single submitter. Criteria: ACMG Guidelines, 2015. Collection method: clinical testing. Allele origin: germline. Affected: yes.
Comment: ACMG classification criteria: PS4 supporting, BP4 supporting

Quest Diagnostics Nichols Institute San Juan Capistrano
Classification: Uncertain significance. Last evaluated: 2019-09-23. Review status: criteria provided, single submitter. Criteria: Quest Diagnostics criteria. Collection method: clinical testing. Allele origin: unknown.

Fulgent Genetics
Classification: Uncertain significance for POLD1-related polyposis and colorectal cancer syndrome; Mandibular hypoplasia-deafness-progeroid syndrome. Last evaluated: 2018-10-31. Review status: criteria provided, single submitter. Criteria: ACMG Guidelines, 2015. Collection method: clinical testing. Allele origin: unknown.

NM_002691.4(POLD1):c.353C>T (p.Ser118Phe)

Gene: POLD1 (DNA polymerase delta 1, catalytic subunit; plus strand). Cytogenetic location: 19q13.33.
Variant type: single nucleotide variant.
Coding change: c.353C>T on transcript NM_002691.4 (MANE Select); coding-DNA position 353, C replaced by T.
Protein change: p.Ser118Phe; replaces serine 118 with phenylalanine.
Molecular consequence: missense variant. On other transcripts: non-coding transcript variant (1).
Genome position (GRCh38, 1-based): chr19:50,401,814, C>T. VCF-style: chr19-50401814-C-T. GRCh37 (hg19) VCF-style: chr19-50905071-C-T.
Other names: c.353C>T, p.Ser118Phe (NM_001256849.1, NM_001308632.1); c.353C>T (NM_002691.2); short protein forms S118F.
Identifiers: ClinVar variation 239345 (VCV000239345.34), dbSNP rs780604625, ClinGen allele CA9595707.